The following is an entry in ClinVar:

ClinVar aggregate classification (germline): Pathogenic. Review status: criteria provided, multiple submitters, no conflicts (2 of 4 stars). 2 submissions from 2 submitters: Pathogenic (2). Last evaluated 2025-12-10.

Conditions:
Hereditary nonpolyposis colorectal neoplasms. Identifiers: MedGen C0009405, MeSH D003123.
Hereditary cancer-predisposing syndrome. Also called: Neoplastic Syndromes, Hereditary; Tumor predisposition; Hereditary Cancer Syndrome; Hereditary neoplastic syndrome. Identifiers: Orphanet 140162, MedGen C0027672, MeSH D009386, MONDO:0015356.

Submissions (2):

Labcorp Genetics (formerly Invitae), Labcorp
Classification: Pathogenic for Hereditary nonpolyposis colorectal neoplasms. Last evaluated: 2025-12-10. Review status: criteria provided, single submitter. Criteria: Invitae Variant Classification Sherloc (09022015). Collection method: clinical testing. Allele origin: germline.
Comment: This sequence change creates a premature translational stop signal (p.Leu355*) in the PMS2 gene. It is expected to result in an absent or disrupted protein product. Loss-of-function variants in PMS2 are known to be pathogenic (PMID: 21376568, 24362816). This variant is not present in population databases (gnomAD no frequency). This variant has not been reported in the literature in individuals affected with PMS2-related conditions. ClinVar contains an entry for this variant (Variation ID: 1781281). For these reasons, this variant has been classified as Pathogenic.

Ambry Genetics
Classification: Pathogenic for Hereditary cancer-predisposing syndrome. Last evaluated: 2019-11-27. Review status: criteria provided, single submitter. Criteria: Ambry Variant Classification Scheme 2023. Collection method: clinical testing. Allele origin: germline.
Comment: The c.1064delT pathogenic mutation, located in coding exon 10 of the PMS2 gene, results from a deletion of one nucleotide at nucleotide position 1064, causing a translational frameshift with a predicted alternate stop codon (p.L355*). This alteration is expected to result in loss of function by premature protein truncation or nonsense-mediated mRNA decay. As such, this alteration is interpreted as a disease-causing mutation.

Literature cited by the submitters: PubMed 21376568 (cited by Labcorp Genetics (formerly Invitae), Labcorp); PubMed 24362816 (cited by Labcorp Genetics (formerly Invitae), Labcorp).

NM_000535.7(PMS2):c.1064del (p.Val354_Leu355insTer)

Gene: PMS2 (PMS1 homolog 2, mismatch repair system component; minus strand). Cytogenetic location: 7p22.1.
Variant type: Deletion.
Coding change: c.1064del on transcript NM_000535.7 (MANE Select); coding-DNA position 1064, one base deleted (T; older notation c.1064delT).
Protein change: p.Val354_Leu355insTer.
Molecular consequence: nonsense. On other transcripts: frameshift variant (40), non-coding transcript variant (1), intron variant (2).
Genome position (GRCh38, 1-based): chr7:5,989,880, A deleted on the plus strand (T on the coding strand, the reverse complement: PMS2 is on the minus strand); the first of 4 consecutive A bases (chr7:5,989,880-5,989,883); deleting any one gives the same sequence. VCF-style (leftmost placement, unchanged base first): chr7-5989879-TA-T. GRCh37 (hg19) VCF-style: chr7-6029510-TA-T.
Other names: c.656delT, p.Leu220Terfs (NM_001018040.1, NM_001406887.1, NM_001406888.1 and 13 more transcripts); c.659del, p.Val219_Leu220insTer (NM_001322003.2, NM_001322004.2, NM_001322005.2 and 1 more transcripts); c.746del, p.Val248_Leu249insTer (NM_001322007.2, NM_001322008.2); c.131del, p.Val43_Leu44insTer (NM_001322011.2, NM_001322012.2); c.491del, p.Val163_Leu164insTer (NM_001322013.2); c.1064del, p.Val354_Leu355insTer (NM_001322014.2); c.755del, p.Val251_Leu252insTer (NM_001322015.2); c.1247delT, p.Leu417Terfs (NM_001406866.1); and 15 more.
Identifiers: ClinVar variation 1781281 (VCV001781281.3), dbSNP rs2535930387, ClinGen allele CA2580076999.
Genomic context (GRCh38, chr7:5,989,879, plus strand): 5'-CTGCTGACTGACATTTAGCTTGTTGACATCACTATCAAACATTCCTATCAAAGAGGTCTT[TA>T]AAACTGCCAACAAAAGCTTTTCCTCTTGTAGCAAAATTTGCCTTTTATCTGGAGTAACAT-3'